The following is an entry in ClinVar:

ClinVar aggregate classification (germline): Uncertain significance (1 of 4 stars; one submission).

Conditions:
Congenital contractural arachnodactyly (CCA). Also called: Arthrogryposis, distal, type 9; BEALS SYNDROME; Beals-Hecht syndrome. Identifiers: Orphanet 115, MedGen C0220668, MONDO:0007363, OMIM 121050.

gnomAD v4.1: 3 of 1,614,108 alleles (0.00019%); highest among the groups gnomAD compares: East Asian, 0.0022%; no homozygotes.

Submission:

Labcorp Genetics (formerly Invitae), Labcorp
Classification: Uncertain significance for Congenital contractural arachnodactyly. Last evaluated: 2024-02-01. Review status: criteria provided, single submitter. Criteria: Invitae Variant Classification Sherloc (09022015). Collection method: clinical testing. Allele origin: germline.
Comment: This sequence change falls in intron 58 of the FBN2 gene. It does not directly change the encoded amino acid sequence of the FBN2 protein. It affects a nucleotide within the consensus splice site. This variant is present in population databases (rs753059448, gnomAD 0.006%). This variant has not been reported in the literature in individuals affected with FBN2-related conditions. Variants that disrupt the consensus splice site are a relatively common cause of aberrant splicing (PMID: 17576681, 9536098). Algorithms developed to predict the effect of sequence changes on RNA splicing suggest that this variant may disrupt the consensus splice site. In summary, the available evidence is currently insufficient to determine the role of this variant in disease. Therefore, it has been classified as a Variant of Uncertain Significance.

Literature cited by the submitters: PubMed 17576681; PubMed 9536098.

NM_001999.4(FBN2):c.7471+4A>G

Gene: FBN2 (fibrillin 2; minus strand). Cytogenetic location: 5q23.3.
Variant type: single nucleotide variant.
Coding change: c.7471+4A>G on transcript NM_001999.4 (MANE Select); 4 bases into the intron after coding-DNA position 7471, A replaced by G.
Molecular consequence: intron variant.
Genome position (GRCh38, 1-based): chr5:128,277,876, T>C on the plus strand (A>G on the coding strand, the complement: FBN2 is on the minus strand). VCF-style: chr5-128277876-T-C. GRCh37 (hg19) VCF-style: chr5-127613568-T-C.
Identifiers: ClinVar variation 3608031 (VCV003608031.2).